The following is an entry in ClinVar:

ClinVar aggregate classification (germline): Uncertain significance (1 of 4 stars; one submission).

Allele frequency attached by ClinVar (database versions not stated): gnomAD exomes below 0.00001; TOPMed 0.00001.
gnomAD v4.1: 1 of 1,613,792 alleles (0.000062%); highest among the groups gnomAD compares: Admixed American, 0.0017%; no homozygotes.

Submission:

Labcorp Genetics (formerly Invitae), Labcorp
Classification: Uncertain significance. Last evaluated: 2022-08-04. Review status: criteria provided, single submitter. Criteria: Invitae Variant Classification Sherloc (09022015). Collection method: clinical testing. Allele origin: germline.
Comment: In summary, the available evidence is currently insufficient to determine the role of this variant in disease. Therefore, it has been classified as a Variant of Uncertain Significance. Algorithms developed to predict the effect of missense changes on protein structure and function (SIFT, PolyPhen-2, Align-GVGD) all suggest that this variant is likely to be tolerated. This variant has not been reported in the literature in individuals affected with PLG-related conditions. The frequency data for this variant in the population databases is considered unreliable, as metrics indicate poor data quality at this position in the gnomAD database. This sequence change replaces proline, which is neutral and non-polar, with leucine, which is neutral and non-polar, at codon 364 of the PLG protein (p.Pro364Leu).

NM_000301.5(PLG):c.1091C>T (p.Pro364Leu)

Gene: PLG (plasminogen; plus strand). Cytogenetic location: 6q26.
Variant type: single nucleotide variant.
Coding change: c.1091C>T on transcript NM_000301.5 (MANE Select); coding-DNA position 1091, C replaced by T.
Protein change: p.Pro364Leu; replaces proline 364 with leucine.
Molecular consequence: missense variant.
Genome position (GRCh38, 1-based): chr6:160,718,833, C>T. VCF-style: chr6-160718833-C-T. GRCh37 (hg19) VCF-style: chr6-161139865-C-T.
Other names: short protein forms P364L.
Identifiers: ClinVar variation 1914074 (VCV001914074.5), dbSNP rs1481481942, ClinGen allele CA366363145.